The following is an entry in ClinVar:

ClinVar aggregate classification (germline): Uncertain significance (1 of 4 stars; one submission).

Conditions:
Hereditary cancer-predisposing syndrome. Also called: Neoplastic Syndromes, Hereditary; Tumor predisposition; Hereditary Cancer Syndrome; Hereditary neoplastic syndrome. Identifiers: Orphanet 140162, MedGen C0027672, MeSH D009386, MONDO:0015356.

Submission:

Ambry Genetics
Classification: Uncertain significance for Hereditary cancer-predisposing syndrome. Last evaluated: 2026-01-04. Review status: criteria provided, single submitter. Criteria: Ambry Variant Classification Scheme 2023. Collection method: clinical testing. Allele origin: germline.
Comment: The p.G615E variant (also known as c.1844G>A), located in coding exon 15 of the POT1 gene, results from a G to A substitution at nucleotide position 1844. The glycine at codon 615 is replaced by glutamic acid, an amino acid with similar properties. This amino acid position is conserved. In addition, this alteration is predicted to be tolerated by in silico analysis. Based on the available evidence, the clinical significance of this variant remains unclear.

NM_015450.3(POT1):c.1844G>A (p.Gly615Glu)

Gene: POT1 (protection of telomeres 1; minus strand). Cytogenetic location: 7q31.33.
Variant type: single nucleotide variant.
Coding change: c.1844G>A on transcript NM_015450.3 (MANE Select); coding-DNA position 1844, G replaced by A.
Protein change: p.Gly615Glu; replaces glycine 615 with glutamic acid.
Molecular consequence: missense variant. On other transcripts: non-coding transcript variant (3).
Genome position (GRCh38, 1-based): chr7:124,824,023, C>T on the plus strand (G>A on the coding strand, the complement: POT1 is on the minus strand). VCF-style: chr7-124824023-C-T. GRCh37 (hg19) VCF-style: chr7-124464077-C-T.
Other names: c.1451G>A, p.Gly484Glu (NM_001042594.2); short protein forms G615E, G484E.
Identifiers: ClinVar variation 4842631 (VCV004842631.1).